The following is an entry in ClinVar:

ClinVar aggregate classification (germline): Uncertain significance. Review status: criteria provided, multiple submitters, no conflicts (2 of 4 stars). 2 submissions from 2 submitters: Uncertain significance (2). Last evaluated 2024-11-03.

Conditions:
Hereditary cancer-predisposing syndrome. Also called: Hereditary neoplastic syndrome; Tumor predisposition; Hereditary Cancer Syndrome; Neoplastic Syndromes, Hereditary. Identifiers: Orphanet 140162, MedGen C0027672, MeSH D009386, MONDO:0015356.
Tuberous sclerosis 2 (TSC2). Identifiers: Orphanet 805, MedGen C1860707, MONDO:0013199, OMIM 613254.

Submissions (2):

Ambry Genetics
Classification: Uncertain significance for Hereditary cancer-predisposing syndrome. Last evaluated: 2024-11-03. Review status: criteria provided, single submitter. Criteria: Ambry Variant Classification Scheme 2023. Collection method: clinical testing. Allele origin: germline.
Comment: The p.A233S variant (also known as c.697G>T), located in coding exon 7 of the TSC2 gene, results from a G to T substitution at nucleotide position 697. The alanine at codon 233 is replaced by serine, an amino acid with similar properties. This amino acid position is conserved. In addition, the in silico prediction for this alteration is inconclusive. Based on the available evidence, the clinical significance of this variant remains unclear.

Labcorp Genetics (formerly Invitae), Labcorp
Classification: Uncertain significance for Tuberous sclerosis 2. Last evaluated: 2021-04-11. Review status: criteria provided, single submitter. Criteria: Invitae Variant Classification Sherloc (09022015). Collection method: clinical testing. Allele origin: germline.
Comment: In summary, the available evidence is currently insufficient to determine the role of this variant in disease. Therefore, it has been classified as a Variant of Uncertain Significance. Algorithms developed to predict the effect of missense changes on protein structure and function output the following: SIFT: "Tolerated"; PolyPhen-2: "Benign"; Align-GVGD: "Class C0". The serine amino acid residue is found in multiple mammalian species, suggesting that this missense change does not adversely affect protein function. These predictions have not been confirmed by published functional studies and their clinical significance is uncertain. This variant has not been reported in the literature in individuals with TSC2-related disease. This variant is not present in population databases (ExAC no frequency). This sequence change replaces alanine with serine at codon 233 of the TSC2 protein (p.Ala233Ser). The alanine residue is weakly conserved and there is a moderate physicochemical difference between alanine and serine.

NM_000548.5(TSC2):c.697G>T (p.Ala233Ser)

Gene: TSC2 (TSC complex subunit 2; plus strand). Cytogenetic location: 16p13.3.
Variant type: single nucleotide variant.
Coding change: c.697G>T on transcript NM_000548.5 (MANE Select); coding-DNA position 697, G replaced by T.
Protein change: p.Ala233Ser; replaces alanine 233 with serine.
Molecular consequence: missense variant.
Genome position (GRCh38, 1-based): chr16:2,056,692, G>T. VCF-style: chr16-2056692-G-T. GRCh37 (hg19) VCF-style: chr16-2106693-G-T.
Other names: c.697G>T, p.Ala233Ser (NM_001077183.3, NM_001114382.3, NM_001363528.2 and 3 more transcripts); c.586G>T, p.Ala196Ser (NM_001318827.2); c.550G>T, p.Ala184Ser (NM_001318829.2); c.97G>T, p.Ala33Ser (NM_001318831.2); c.730G>T, p.Ala244Ser (NM_001318832.2); short protein forms A233S, A184S, A196S, A33S, A244S.
Identifiers: ClinVar variation 576838 (VCV000576838.11), dbSNP rs1567408479, ClinGen allele CA394312628.